The following is an entry in ClinVar:

ClinVar aggregate classification (germline): Uncertain significance. Review status: criteria provided, multiple submitters, no conflicts (2 of 4 stars). 2 submissions from 2 submitters: Uncertain significance (2). Last evaluated 2024-02-20.

Conditions:
Inborn genetic diseases. Identifiers: MedGen C0950123, MeSH D030342.

Allele frequency attached by ClinVar (database versions not stated): TOPMed below 0.00001; ExAC 0.00003; gnomAD 0.00003; 1000 Genomes Project 30x 0.00016; 1000 Genomes Project 0.00020.
gnomAD v4.1: 53 of 1,614,024 alleles (0.0033%); highest among the groups gnomAD compares: South Asian, 0.053%; no homozygotes.

Submissions (2):

Labcorp Genetics (formerly Invitae), Labcorp
Classification: Uncertain significance. Last evaluated: 2024-02-20. Review status: criteria provided, single submitter. Criteria: Invitae Variant Classification Sherloc (09022015). Collection method: clinical testing. Allele origin: germline.
Comment: This sequence change replaces histidine, which is basic and polar, with glutamine, which is neutral and polar, at codon 609 of the ENPP1 protein (p.His609Gln). The frequency data for this variant in the population databases is considered unreliable, as metrics indicate poor data quality at this position in the gnomAD database. This variant has not been reported in the literature in individuals affected with ENPP1-related conditions. ClinVar contains an entry for this variant (Variation ID: 2597232). Advanced modeling of protein sequence and biophysical properties (such as structural, functional, and spatial information, amino acid conservation, physicochemical variation, residue mobility, and thermodynamic stability) performed at Invitae indicates that this missense variant is not expected to disrupt ENPP1 protein function with a negative predictive value of 80%. In summary, the available evidence is currently insufficient to determine the role of this variant in disease. Therefore, it has been classified as a Variant of Uncertain Significance.

Ambry Genetics
Classification: Uncertain significance for Inborn genetic diseases. Last evaluated: 2023-06-26. Review status: criteria provided, single submitter. Criteria: Ambry Variant Classification Scheme 2023. Collection method: clinical testing. Allele origin: germline.

NM_006208.3(ENPP1):c.1827C>G (p.His609Gln)

Gene: ENPP1 (ectonucleotide pyrophosphatase/phosphodiesterase 1; plus strand). Cytogenetic location: 6q23.2.
Variant type: single nucleotide variant.
Coding change: c.1827C>G on transcript NM_006208.3 (MANE Select); coding-DNA position 1827, C replaced by G.
Protein change: p.His609Gln; replaces histidine 609 with glutamine.
Molecular consequence: missense variant.
Genome position (GRCh38, 1-based): chr6:131,877,095, C>G. VCF-style: chr6-131877095-C-G. GRCh37 (hg19) VCF-style: chr6-132198235-C-G.
Other names: short protein forms H609Q.
Identifiers: ClinVar variation 2597232 (VCV002597232.5), dbSNP rs559298860, ClinGen allele CA4002337.